The following is an entry in ClinVar:

ClinVar aggregate classification (germline): Uncertain significance. Review status: criteria provided, multiple submitters, no conflicts (2 of 4 stars). 2 submissions from 2 submitters: Uncertain significance (2). Last evaluated 2026-02-26.

Conditions:
Glycogen storage disease, type V (GSD5). Also called: MCARDLE DISEASE; MUSCLE GLYCOGEN PHOSPHORYLASE DEFICIENCY; MYOPHOSPHORYLASE DEFICIENCY; PYGM DEFICIENCY; McArdle type glycogen storage disease. Identifiers: Orphanet 368, MedGen C0017924, MONDO:0009293, OMIM 232600.
Inborn genetic diseases. Identifiers: MedGen C0950123, MeSH D030342.

Allele frequency attached by ClinVar (database versions not stated): TOPMed below 0.00001; gnomAD 0.00001; gnomAD exomes 0.00001.
gnomAD v4.1: 11 of 1,613,574 alleles (0.00068%); highest among the groups gnomAD compares: Non-Finnish European, 0.00085%; no homozygotes.

Submissions (2):

Ambry Genetics
Classification: Uncertain significance for Inborn genetic diseases. Last evaluated: 2026-02-26. Review status: criteria provided, single submitter. Criteria: Ambry Variant Classification Scheme 2023. Collection method: clinical testing. Allele origin: germline.

Labcorp Genetics (formerly Invitae), Labcorp
Classification: Uncertain significance for Glycogen storage disease, type V. Last evaluated: 2025-01-07. Review status: criteria provided, single submitter. Criteria: Invitae Variant Classification Sherloc (09022015). Collection method: clinical testing. Allele origin: germline.
Comment: This sequence change replaces proline, which is neutral and non-polar, with serine, which is neutral and polar, at codon 343 of the PYGM protein (p.Pro343Ser). This variant is not present in population databases (gnomAD no frequency). This variant has not been reported in the literature in individuals affected with PYGM-related conditions. ClinVar contains an entry for this variant (Variation ID: 2167177). Invitae Evidence Modeling of protein sequence and biophysical properties (such as structural, functional, and spatial information, amino acid conservation, physicochemical variation, residue mobility, and thermodynamic stability) indicates that this missense variant is expected to disrupt PYGM protein function with a positive predictive value of 95%. In summary, the available evidence is currently insufficient to determine the role of this variant in disease. Therefore, it has been classified as a Variant of Uncertain Significance.

NM_005609.4(PYGM):c.1027C>T (p.Pro343Ser)

Gene: PYGM (glycogen phosphorylase, muscle associated; minus strand). Cytogenetic location: 11q13.1.
Variant type: single nucleotide variant.
Coding change: c.1027C>T on transcript NM_005609.4 (MANE Select); coding-DNA position 1027, C replaced by T.
Protein change: p.Pro343Ser; replaces proline 343 with serine.
Molecular consequence: missense variant.
Genome position (GRCh38, 1-based): chr11:64,754,318, G>A on the plus strand (C>T on the coding strand, the complement: PYGM is on the minus strand). VCF-style: chr11-64754318-G-A. GRCh37 (hg19) VCF-style: chr11-64521790-G-A.
Other names: c.763C>T, p.Pro255Ser (NM_001164716.1); c.1027C>T (NM_005609.2); short protein forms P343S, P255S.
Identifiers: ClinVar variation 2167177 (VCV002167177.3), dbSNP rs2058379854, ClinGen allele CA381177158.
Genomic context (GRCh38, chr11:64,754,318, plus strand): 5'-CCCAGTCCATCCGTTCCAGGTCCACCAGGATCCTCATCAGCTCGGGGATGGCCAGGGAGG[G>A]GTGGGTGTCATTGAGCTGGATGGCCACCTGGGGTAGGGGGAGGGGTCAGTCTGGGCTCCA-3'
Protein context (NP_005600.1, residues 333-353): KVAIQLNDTH[Pro343Ser]SLAIPELMRI